The following is an entry in ClinVar:

NM_000719.7(CACNA1C):c.1734_1736delinsTGT (p.Gly579Val)

Gene: CACNA1C (calcium voltage-gated channel subunit alpha1 C; plus strand). Cytogenetic location: 12p13.33.
Variant type: Indel.
Coding change: c.1734_1736delinsTGT on transcript NM_000719.7 (MANE Select); coding-DNA positions 1734 to 1736, GGG replaced by TGT.
Protein change: p.Gly579Val; replaces glycine 579 with valine.
Molecular consequence: missense variant.
Genome position (GRCh38, 1-based): chr12:2,567,633-2,567,635, GGG replaced by TGT. VCF-style: chr12-2567633-GGG-TGT. GRCh37 (hg19) VCF-style: chr12-2676799-GGG-TGT.
Other names: c.1734_1736delinsTGT, p.Gly579Val (NM_001129829.2, NM_001129830.3, NM_001129831.2 and 18 more transcripts); c.1725_1727delinsTGT, p.Gly576Val (NM_001129844.2); c.1734_1736delGGGinsTGT, p.Gly579Val (NM_000719.6); short protein forms G576V, G579V.
Identifiers: ClinVar variation 4687079 (VCV004687079.1).

ClinVar aggregate classification (germline): Uncertain significance (1 of 4 stars; one submission).

Submission:

GeneDx
Classification: Uncertain significance. Last evaluated: 2025-07-23. Review status: criteria provided, single submitter. Criteria: GeneDx Variant Classification Process June 2021. Collection method: clinical testing. Allele origin: germline. Affected: yes.
Comment: Not observed at significant frequency in large population cohorts (gnomAD); In silico analysis supports a deleterious effect on protein structure/function; Has not been previously published as pathogenic or benign to our knowledge; In silico analysis suggests this variant may impact gene splicing. In the absence of RNA/functional studies, the actual effect of this sequence change is unknown.